The following is an entry in ClinVar:

NM_004304.5(ALK):c.4219G>A (p.Glu1407Lys)

Gene: ALK (ALK receptor tyrosine kinase; minus strand). Cytogenetic location: 2p23.2.
Variant type: single nucleotide variant.
Coding change: c.4219G>A on transcript NM_004304.5 (MANE Select); coding-DNA position 4219, G replaced by A.
Protein change: p.Glu1407Lys; replaces glutamic acid 1407 with lysine.
Molecular consequence: missense variant.
Genome position (GRCh38, 1-based): chr2:29,193,868, C>T on the plus strand (G>A on the coding strand, the complement: ALK is on the minus strand). VCF-style: chr2-29193868-C-T. GRCh37 (hg19) VCF-style: chr2-29416734-C-T.
Other names: c.1015G>A, p.Glu339Lys (NM_001353765.2); short protein forms E1407K, E339K.
Identifiers: ClinVar variation 935628 (VCV000935628.8), dbSNP rs1334825922, ClinGen allele CA346463267.

ClinVar aggregate classification (germline): Uncertain significance. Review status: criteria provided, multiple submitters, no conflicts (2 of 4 stars). 2 submissions from 2 submitters: Uncertain significance (2). Last evaluated 2025-12-09.

Conditions:
Hereditary cancer-predisposing syndrome. Also called: Tumor predisposition; Hereditary neoplastic syndrome; Neoplastic Syndromes, Hereditary; Hereditary Cancer Syndrome. Identifiers: Orphanet 140162, MedGen C0027672, MeSH D009386, MONDO:0015356.
Neuroblastoma, susceptibility to, 3. Also called: ALK-Related Neuroblastic Tumor Susceptibility. Identifiers: Orphanet 635, MedGen C2751681, MONDO:0013083, OMIM 613014.

gnomAD v4.1: 1 of 1,614,010 alleles (0.000062%); highest among the groups gnomAD compares: Non-Finnish European, 0.000085%; no homozygotes.

Submissions (2):

Ambry Genetics
Classification: Uncertain significance for Hereditary cancer-predisposing syndrome. Last evaluated: 2025-12-09. Review status: criteria provided, single submitter. Criteria: Ambry Variant Classification Scheme 2023. Collection method: clinical testing. Allele origin: germline.
Comment: The p.E1407K variant (also known as c.4219G>A), located in coding exon 29 of the ALK gene, results from a G to A substitution at nucleotide position 4219. The glutamic acid at codon 1407 is replaced by lysine, an amino acid with similar properties. This amino acid position is well conserved in available vertebrate species. In addition, the in silico prediction for this alteration is inconclusive. Based on the available evidence, the clinical significance of this variant remains unclear.

Labcorp Genetics (formerly Invitae), Labcorp
Classification: Uncertain significance for Neuroblastoma, susceptibility to, 3. Last evaluated: 2024-12-24. Review status: criteria provided, single submitter. Criteria: Invitae Variant Classification Sherloc (09022015). Collection method: clinical testing. Allele origin: germline.
Comment: This sequence change replaces glutamic acid, which is acidic and polar, with lysine, which is basic and polar, at codon 1407 of the ALK protein (p.Glu1407Lys). This variant is not present in population databases (gnomAD no frequency). This variant has not been reported in the literature in individuals affected with ALK-related conditions. ClinVar contains an entry for this variant (Variation ID: 935628). An algorithm developed to predict the effect of missense changes on protein structure and function (PolyPhen-2) suggests that this variant is likely to be disruptive. In summary, the available evidence is currently insufficient to determine the role of this variant in disease. Therefore, it has been classified as a Variant of Uncertain Significance.